The following is an entry in ClinVar:

NM_003183.6(ADAM17):c.70C>G (p.Pro24Ala)

Gene: ADAM17 (ADAM metallopeptidase domain 17; minus strand). Cytogenetic location: 2p25.1.
Variant type: single nucleotide variant.
Coding change: c.70C>G on transcript NM_003183.6 (MANE Select); coding-DNA position 70, C replaced by G.
Protein change: p.Pro24Ala; replaces proline 24 with alanine.
Molecular consequence: missense variant. On other transcripts: 5 prime UTR variant (2).
Genome position (GRCh38, 1-based): chr2:9,555,536, G>C on the plus strand (C>G on the coding strand, the complement: ADAM17 is on the minus strand). VCF-style: chr2-9555536-G-C. GRCh37 (hg19) VCF-style: chr2-9695665-G-C.
Other names: c.-611C>G (NM_001382777.1); c.-853C>G (NM_001382778.1); short protein forms P24A.
Identifiers: ClinVar variation 1047273 (VCV001047273.7), dbSNP rs748048199, ClinGen allele CA1523883.

ClinVar aggregate classification (germline): Uncertain significance (1 of 4 stars; one submission).

Conditions:
Inflammatory skin and bowel disease, neonatal, 1. Identifiers: Orphanet 294023, MedGen C3280501, MONDO:0013693, OMIM 614328.

Allele frequency attached by ClinVar (database versions not stated): TOPMed 0.00002; gnomAD exomes 0.00009; ExAC 0.00012.
gnomAD v4.1: 35 of 1,602,700 alleles (0.0022%); highest among the groups gnomAD compares: Admixed American, 0.029%; no homozygotes.

Submission:

Labcorp Genetics (formerly Invitae), Labcorp
Classification: Uncertain significance for Inflammatory skin and bowel disease, neonatal, 1. Last evaluated: 2024-10-24. Review status: criteria provided, single submitter. Criteria: Invitae Variant Classification Sherloc (09022015). Collection method: clinical testing. Allele origin: germline.
Comment: This sequence change replaces proline, which is neutral and non-polar, with alanine, which is neutral and non-polar, at codon 24 of the ADAM17 protein (p.Pro24Ala). This variant is present in population databases (rs748048199, gnomAD 0.04%). This variant has not been reported in the literature in individuals affected with ADAM17-related conditions. ClinVar contains an entry for this variant (Variation ID: 1047273). An algorithm developed to predict the effect of missense changes on protein structure and function outputs the following: PolyPhen-2: "Benign". The alanine amino acid residue is found in multiple mammalian species, which suggests that this missense change does not adversely affect protein function. In summary, the available evidence is currently insufficient to determine the role of this variant in disease. Therefore, it has been classified as a Variant of Uncertain Significance.